The following is an entry in ClinVar:

ClinVar aggregate classification (germline): Conflicting classifications of pathogenicity. Review status: criteria provided, conflicting classifications (1 of 4 stars). 6 submissions from 6 submitters: Pathogenic (2); Likely pathogenic (2); Uncertain significance (2). Last evaluated 2026-09-16.

Conditions:
ADGRV1-related disorder. Also called: ADGRV1-related condition; ADGRV1-related disorders.

Allele frequency attached by ClinVar (database versions not stated): gnomAD 0.00015 and 0.00019; 1000 Genomes Project 30x 0.00016; 1000 Genomes Project 0.00020; TOPMed 0.00037; gnomAD exomes 0.00001; ExAC 0.00003.
gnomAD v4.1: 44 of 1,605,292 alleles (0.0027%); highest among the groups gnomAD compares: Admixed American, 0.049%; no homozygotes.

Submissions (6):

GeneDx
Classification: Likely pathogenic. Last evaluated: 2026-09-16. Review status: criteria provided, single submitter. Criteria: GeneDx Variant Classification Process June 2021. Collection method: clinical testing. Allele origin: germline.
Comment: Reported in association with Usher syndrome in published literature (PMID: 22135276); however, clinical information was not provided; In silico analysis supports that this missense variant has a deleterious effect on protein structure/function; This variant is associated with the following publications: (PMID: 22135276)

PreventionGenetics, part of Exact Sciences
Classification: Uncertain significance for ADGRV1-related condition. Last evaluated: 2025-11-20. Review status: criteria provided, single submitter. Criteria: ACMG Guidelines, 2015. Collection method: clinical testing. Allele origin: germline.
Comment: The ADGRV1 c.18782T>C variant is predicted to result in the amino acid substitution p.Leu6261Ser. This variant has been reported in two Usher syndrome cohorts (Table S1 gene as GPR98, Le Quesne Stabej et al. 2011. PubMed ID: 22135276; Cromar et al. 2025. PubMed ID: 40533831); however, additional patient and genetic information (e.g. zygosity) was not provided. One laboratory in ClinVar reported this variant in trans with pathogenic variant in an individual with ADGRV1-related condition. This variant is reported in 0.0088% of alleles in individuals of Latino descent in gnomAD. Although we suspect that this variant may be pathogenic, at this time, the clinical significance of this variant is uncertain due to the absence of conclusive functional and genetic evidence.

Labcorp Genetics (formerly Invitae), Labcorp
Classification: Pathogenic. Last evaluated: 2025-10-01. Review status: criteria provided, single submitter. Criteria: Invitae Variant Classification Sherloc (09022015). Collection method: clinical testing. Allele origin: germline.
Comment: This sequence change replaces leucine, which is neutral and non-polar, with serine, which is neutral and polar, at codon 6261 of the ADGRV1 protein (p.Leu6261Ser). This variant is present in population databases (rs557331348, gnomAD 0.009%). This missense change has been observed in individual(s) with ADGRV1-related conditions (PMID: 22135276; internal data). In at least one individual the data is consistent with being in trans (on the opposite chromosome) from a pathogenic variant. It has also been observed to segregate with disease in related individuals. ClinVar contains an entry for this variant (Variation ID: 594999). An algorithm developed to predict the effect of missense changes on protein structure and function (PolyPhen-2) suggests that this variant is likely to be disruptive. For these reasons, this variant has been classified as Pathogenic.

Women's Health and Genetics/Laboratory Corporation of America, LabCorp
Classification: Likely pathogenic for ADGRV1-Related Disorders. Last evaluated: 2025-06-04. Review status: criteria provided, single submitter. Criteria: LabCorp Variant Classification Summary - May 2015. Collection method: clinical testing. Allele origin: germline.
Comment: Variant summary: ADGRV1 c.18782T>C (p.Leu6261Ser) results in a non-conservative amino acid change in the encoded protein sequence. Algorithms developed to predict the effect of missense changes on protein structure and function are either unavailable or do not agree on the potential impact of this missense change. The variant allele was found at a frequency of 1.2e-05 in 242708 control chromosomes. c.18782T>C has been observed in individual(s) affected with ADGRV1-Related Disorders (example: LeQuesne_2012, Internal data). These data indicate that the variant is likely to be associated with disease. The following publications has been ascertained in the context of this evaluation (PMID: 22135276). ClinVar contains an entry for this variant (Variation ID: 594999). Based on the evidence outlined above, the variant was classified as likely pathogenic.

Blueprint Genetics
Classification: Pathogenic for ADGRV1-related disorders. Last evaluated: 2023-10-09. Review status: criteria provided, single submitter. Criteria: ACMG Guidelines, 2015. Collection method: clinical testing. Allele origin: germline. Affected: yes. Observed: 5 variant alleles.

Eurofins Ntd Llc (ga)
Classification: Uncertain significance. Last evaluated: 2017-11-20. Review status: criteria provided, single submitter. Criteria: EGL Classification Definitions 2015. Collection method: clinical testing. Allele origin: germline. Observed: 1 variant allele, 1 heterozygote.

Literature cited by the submitters: PubMed 22135276 (cited by Labcorp Genetics (formerly Invitae), Labcorp and Women's Health and Genetics/Laboratory Corporation of America, LabCorp).

NM_032119.4(ADGRV1):c.18782T>C (p.Leu6261Ser)

Gene: ADGRV1 (adhesion G protein-coupled receptor V1; plus strand). Cytogenetic location: 5q14.3.
Variant type: single nucleotide variant.
Coding change: c.18782T>C on transcript NM_032119.4 (MANE Select); coding-DNA position 18782, T replaced by C.
Protein change: p.Leu6261Ser; replaces leucine 6261 with serine.
Molecular consequence: missense variant. On other transcripts: non-coding transcript variant (1).
Genome position (GRCh38, 1-based): chr5:91,153,378, T>C. VCF-style: chr5-91153378-T-C. GRCh37 (hg19) VCF-style: chr5-90449195-T-C.
Other names: short protein forms L6261S.
Identifiers: ClinVar variation 594999 (VCV000594999.21), dbSNP rs557331348, ClinGen allele CA3342735.
Genomic context (GRCh38, chr5:91,153,378, plus strand): 5'-CTGGAGGATATGGCCAGGGGTCACTGATAGCCGATGAGGAGTCCCAGGAGTTTGATGATT[T>C]AATATTTGCATTAAAAACTGGTATGTATGAACCCATGAACGACATTAGAAGTAGGCACTC-3'
Protein context (NP_115495.3, residues 6251-6271): ADEESQEFDD[Leu6261Ser]IFALKTGAGL